The following is an entry in ClinVar:

ClinVar aggregate classification (germline): Benign. Review status: criteria provided, multiple submitters, no conflicts (2 of 4 stars). 8 submissions from 8 submitters: Benign (8). Last evaluated 2026-02-04.

Conditions:
Arthrogryposis, renal dysfunction, and cholestasis 1 (ARCS1). Identifiers: Orphanet 2697, MedGen C1859722, MONDO:0008822, OMIM 208085.

Allele frequency attached by ClinVar (database versions not stated): ESP Exome Variant Server 0.09483; gnomAD 0.13431; TOPMed 0.13640; 1000 Genomes Project 30x 0.20159; 1000 Genomes Project 0.20807.
gnomAD v4.1: 234,207 of 1,613,972 alleles (15%); highest among the groups gnomAD compares: East Asian, 49%; 21,706 homozygotes.

Submissions (8):

Labcorp Genetics (formerly Invitae), Labcorp
Classification: Benign. Last evaluated: 2026-02-04. Review status: criteria provided, single submitter. Criteria: Invitae Variant Classification Sherloc (09022015). Collection method: clinical testing. Allele origin: germline.

Blueprint Genetics
Classification: Benign. Last evaluated: 2024-11-27. Review status: criteria provided, single submitter. Criteria: ACMG Guidelines, 2015. Collection method: clinical testing. Allele origin: germline.

Mayo Clinic Laboratories, Mayo Clinic
Classification: Benign. Last evaluated: 2022-09-29. Review status: criteria provided, single submitter. Criteria: ACMG Guidelines, 2015. Collection method: clinical testing. Allele origin: germline. Observed: 295 variant alleles.

Genome-Nilou Lab
Classification: Benign for Arthrogryposis, renal dysfunction, and cholestasis 1. Last evaluated: 2021-12-05. Review status: criteria provided, single submitter. Criteria: ACMG Guidelines, 2015. Collection method: clinical testing. Allele origin: germline. Affected: no.

GeneDx
Classification: Benign. Last evaluated: 2018-11-12. Review status: criteria provided, single submitter. Criteria: GeneDx Variant Classification Process June 2021. Collection method: clinical testing. Allele origin: germline. Affected: yes.

Illumina Laboratory Services, Illumina
Classification: Benign for Arthrogryposis, renal dysfunction, and cholestasis 1. Last evaluated: 2018-01-13. Review status: criteria provided, single submitter. Criteria: ICSL Variant Classification Criteria 13 December 2019. Collection method: clinical testing. Allele origin: germline.
Comment: This variant was observed in the ICSL laboratory as part of a predisposition screen in an ostensibly healthy population. It had not been previously curated by ICSL or reported in the Human Gene Mutation Database (HGMD: prior to June 1st, 2018), and was therefore a candidate for classification through an automated scoring system. Utilizing variant allele frequency, disease prevalence and penetrance estimates, and inheritance mode, an automated score was calculated to assess if this variant is too frequent to cause the disease. Based on the score and internal cut-off values, a variant classified as benign is not then subjected to further curation. The score for this variant resulted in a classification of benign for this disease.

Breakthrough Genomics
Classification: Benign. Review status: criteria provided, single submitter. Criteria: ACMG Guidelines, 2015. Collection method: not provided. Allele origin: germline. Inheritance: Autosomal recessive inheritance. Affected: yes.

PreventionGenetics, part of Exact Sciences
Classification: Benign. Review status: criteria provided, single submitter. Criteria: ACMG Guidelines, 2015. Collection method: clinical testing. Allele origin: germline.

NM_018668.5(VPS33B):c.1105+9C>T

Gene: VPS33B (VPS33B late endosome and lysosome associated; minus strand). Cytogenetic location: 15q26.1.
Variant type: single nucleotide variant.
Coding change: c.1105+9C>T on transcript NM_018668.5 (MANE Select); 9 bases into the intron after coding-DNA position 1105, C replaced by T.
Molecular consequence: intron variant.
Genome position (GRCh38, 1-based): chr15:91,005,371, G>A on the plus strand (C>T on the coding strand, the complement: VPS33B is on the minus strand). VCF-style: chr15-91005371-G-A. GRCh37 (hg19) VCF-style: chr15-91548601-G-A.
Other names: p.?; c.1105+9C>T (NM_018668.4); c.1024+9C>T (NM_001289148.1); c.832+9C>T (NM_001289149.1).
Identifiers: ClinVar variation 261037 (VCV000261037.20), dbSNP rs3826033, ClinGen allele CA7744794.